The following is an entry in ClinVar:

NM_018979.4(WNK1):c.3205G>C (p.Asp1069His)

Gene: WNK1 (WNK lysine deficient protein kinase 1; plus strand). Cytogenetic location: 12p13.33.
Variant type: single nucleotide variant.
Coding change: c.3205G>C on transcript NM_018979.4 (MANE Select); coding-DNA position 3205, G replaced by C.
Protein change: p.Asp1069His; replaces aspartic acid 1069 with histidine.
Molecular consequence: missense variant.
Genome position (GRCh38, 1-based): chr12:881,785, G>C. VCF-style: chr12-881785-G-C. GRCh37 (hg19) VCF-style: chr12-990951-G-C.
Other names: c.3985G>C, p.Asp1329His (NM_001184985.2); c.2464G>C, p.Asp822His (NM_014823.3); c.3961G>C, p.Asp1321His (NM_213655.5); short protein forms D1321H, D1329H, D1069H, D822H.
Identifiers: ClinVar variation 3575587 (VCV003575587.3).

ClinVar aggregate classification (germline): Uncertain significance. Review status: criteria provided, multiple submitters, no conflicts (2 of 4 stars). 2 submissions from 2 submitters: Uncertain significance (2). Last evaluated 2024-02-22.

Conditions:
Neuropathy, hereditary sensory and autonomic, type 2A (HSAN2A). Also called: ACROOSTEOLYSIS, GIACCAI TYPE; ACROOSTEOLYSIS, NEUROGENIC; MORVAN DISEASE; WNK1-Related HSAN2 (HSAN2A); HSAN IIA; NEUROPATHY, CONGENITAL SENSORY. Identifiers: Orphanet 970, MedGen C2752089, MONDO:0024309, OMIM 201300.
Pseudohypoaldosteronism type 2C (PHA2C). Also called: Pseudohypoaldosteronism Type IIC. Identifiers: Orphanet 757, Orphanet 88940, MedGen C1840391, MONDO:0013778, OMIM 614492.

Submissions (2):

Labcorp Genetics (formerly Invitae), Labcorp
Classification: Uncertain significance for Neuropathy, hereditary sensory and autonomic, type 2A; Pseudohypoaldosteronism type 2C. Last evaluated: 2024-02-22. Review status: criteria provided, single submitter. Criteria: Invitae Variant Classification Sherloc (09022015). Collection method: clinical testing. Allele origin: germline.
Comment: This sequence change replaces aspartic acid, which is acidic and polar, with histidine, which is basic and polar, at codon 1321 of the WNK1 protein (p.Asp1321His). This variant is present in population databases (rs775135848, gnomAD 0.0009%). This variant has not been reported in the literature in individuals affected with WNK1-related conditions. Advanced modeling of protein sequence and biophysical properties (such as structural, functional, and spatial information, amino acid conservation, physicochemical variation, residue mobility, and thermodynamic stability) performed at Invitae indicates that this missense variant is not expected to disrupt WNK1 protein function with a negative predictive value of 95%. In summary, the available evidence is currently insufficient to determine the role of this variant in disease. Therefore, it has been classified as a Variant of Uncertain Significance.

Fulgent Genetics
Classification: Uncertain significance for Neuropathy, hereditary sensory and autonomic, type 2A; Pseudohypoaldosteronism type 2C. Last evaluated: 2024-02-07. Review status: criteria provided, single submitter. Criteria: ACMG Guidelines, 2015. Collection method: clinical testing. Allele origin: germline.